The following is an entry in ClinVar:

NM_000350.3(ABCA4):c.6730-3T>C

Gene: ABCA4 (ATP binding cassette subfamily A member 4; minus strand). Cytogenetic location: 1p22.1.
Variant type: single nucleotide variant.
Coding change: c.6730-3T>C on transcript NM_000350.3 (MANE Select); 3 bases into the intron before coding-DNA position 6730, T replaced by C.
Molecular consequence: intron variant.
Genome position (GRCh38, 1-based): chr1:93,996,198, A>G on the plus strand (T>C on the coding strand, the complement: ABCA4 is on the minus strand). VCF-style: chr1-93996198-A-G. GRCh37 (hg19) VCF-style: chr1-94461754-A-G.
Identifiers: ClinVar variation 99491 (VCV000099491.22), dbSNP rs1800717, ClinGen allele CA202972.
Genomic context (GRCh38, chr1:93,996,198, plus strand): 5'-GAGGGTGCAGAGGGAGGTCATGACTTTCAGTCTGCTGTTTAGCAAAATTTACAAACACCT[A>G]GAGGTAAGAGAAGAGCGAGATTAGGTAGATATTTCCAGGAAAACAGCACCCTACACCCAC-3'

ClinVar aggregate classification (germline): Benign/Likely benign. Review status: criteria provided, multiple submitters, no conflicts (2 of 4 stars). 10 submissions from 10 submitters: Benign (7); Likely benign (1). 2 of the submissions do not count toward it. Last evaluated 2026-02-03.

Conditions:
ABCA4-related disorder. Also called: ABCA4-related condition; ABCA4-related disorders. Identifiers: MedGen CN239167.
Cone-rod dystrophy 3 (CORD3). Identifiers: Orphanet 1872, MedGen C1858806, MONDO:0011395, OMIM 604116.
Age related macular degeneration 2. Also called: MACULAR DEGENERATION, SENILE; MACULOPATHY, AGE-RELATED, 2; MACULOPATHY, AGE-RELATED. Identifiers: MedGen C3495438, MONDO:0007932, OMIM 153800.
Retinitis pigmentosa 19 (RP19). Also called: ABCA4-Related Retinitis Pigmentosa. Identifiers: Orphanet 791, MedGen C1866422, MONDO:0011137, OMIM 601718.
Severe early-childhood-onset retinal dystrophy (STGD1). Also called: MACULAR DYSTROPHY WITH FLECKS, TYPE 1; STGD; Stargardt disease 1; Stargardt macular dystrophy; Juvenile onset macular degeneration. Identifiers: Orphanet 364055, Orphanet 827, MedGen C1855465, MeSH D000080362, MONDO:0009549, OMIM 248200.

Allele frequency attached by ClinVar (database versions not stated): ExAC 0.07276; 1000 Genomes Project 0.14856; gnomAD 0.14291 and 0.15096; gnomAD exomes 0.04727 and 0.06522; TOPMed 0.16034; 1000 Genomes Project 30x 0.15209; ESP Exome Variant Server 0.16815.

Submissions (10):

Labcorp Genetics (formerly Invitae), Labcorp
Classification: Benign. Last evaluated: 2026-02-03. Review status: criteria provided, single submitter. Criteria: Invitae Variant Classification Sherloc (09022015). Collection method: clinical testing. Allele origin: germline.

Blueprint Genetics
Classification: Likely benign. Last evaluated: 2024-11-26. Review status: criteria provided, single submitter. Criteria: ACMG Guidelines, 2015. Collection method: clinical testing. Allele origin: germline.

Fulgent Genetics
Classification: Benign for Age related macular degeneration 2; Severe early-childhood-onset retinal dystrophy; Retinitis pigmentosa 19; Cone-rod dystrophy 3. Last evaluated: 2021-07-15. Review status: criteria provided, single submitter. Criteria: ACMG Guidelines, 2015. Collection method: clinical testing. Allele origin: unknown.

Illumina Laboratory Services, Illumina
Classification: Benign for ABCA4-Related Disorders. Last evaluated: 2018-01-12. Review status: criteria provided, single submitter. Criteria: ICSL Variant Classification Criteria 13 December 2019. Collection method: clinical testing. Allele origin: germline.
Comment: This variant was observed in the ICSL laboratory as part of a predisposition screen in an ostensibly healthy population. It had not been previously curated by ICSL or reported in the Human Gene Mutation Database (HGMD: prior to June 1st, 2018), and was therefore a candidate for classification through an automated scoring system. Utilizing variant allele frequency, disease prevalence and penetrance estimates, and inheritance mode, an automated score was calculated to assess if this variant is too frequent to cause the disease. Based on the score and internal cut-off values, a variant classified as benign is not then subjected to further curation. The score for this variant resulted in a classification of benign for this disease.

Eurofins Ntd Llc (ga)
Classification: Benign. Last evaluated: 2014-08-25. Review status: criteria provided, single submitter. Criteria: EGL Classification Definitions 2015. Collection method: clinical testing. Allele origin: germline. Observed: 1 variant allele, 1 heterozygote.

GeneDx
Classification: Benign. Last evaluated: 2011-07-13. Review status: criteria provided, single submitter. Criteria: GeneDx Variant Classification (06012015). Collection method: clinical testing. Allele origin: germline. Affected: yes.
Comment: This variant is considered likely benign or benign based on one or more of the following criteria: it is a conservative change, it occurs at a poorly conserved position in the protein, it is predicted to be benign by multiple in silico algorithms, and/or has population frequency not consistent with disease.

Breakthrough Genomics
Classification: Benign. Review status: criteria provided, single submitter. Criteria: ACMG Guidelines, 2015. Collection method: not provided. Allele origin: germline. Inheritance: Autosomal recessive inheritance. Affected: yes.

PreventionGenetics, part of Exact Sciences
Classification: Benign. Review status: criteria provided, single submitter. Criteria: ACMG Guidelines, 2015. Collection method: clinical testing. Allele origin: germline.

NEI Ophthalmic Genomics Laboratory, National Institutes of Health
No classification provided. Review status: no classification provided. Collection method: not provided. Allele origin: not provided. Not counted in ClinVar's aggregate classification.

Retina International
No classification provided. Review status: no classification provided. Collection method: not provided. Allele origin: not provided. Not counted in ClinVar's aggregate classification.